The following is an entry in ClinVar:

ClinVar aggregate classification (germline): Benign/Likely benign. Review status: criteria provided, multiple submitters, no conflicts (2 of 4 stars). 4 submissions from 4 submitters: Benign (3); Likely benign (1). Last evaluated 2024-11-27.

Conditions:
Singleton-Merten syndrome 2 (SGMRT2). Identifiers: Orphanet 85191, MedGen C4225380, MONDO:0014575, OMIM 616298.

Submissions (4):

Blueprint Genetics
Classification: Likely benign. Last evaluated: 2024-11-27. Review status: criteria provided, single submitter. Criteria: ACMG Guidelines, 2015. Collection method: clinical testing. Allele origin: germline.

Mayo Clinic Laboratories, Mayo Clinic
Classification: Benign. Last evaluated: 2023-08-11. Review status: criteria provided, single submitter. Criteria: ACMG Guidelines, 2015. Collection method: clinical testing. Allele origin: germline. Observed: 116 variant alleles.
Comment: BA1, BS2, BP4, BP7

Fulgent Genetics
Classification: Benign for Singleton-Merten syndrome 2. Last evaluated: 2021-08-18. Review status: criteria provided, single submitter. Criteria: ACMG Guidelines, 2015. Collection method: clinical testing. Allele origin: unknown.

Genome-Nilou Lab
Classification: Benign for Singleton-Merten syndrome 2. Last evaluated: 2021-07-30. Review status: criteria provided, single submitter. Criteria: ACMG Guidelines, 2015. Collection method: clinical testing. Allele origin: germline. Affected: no.

NM_014314.4(RIGI):c.1481-21dup

Gene: RIGI (RNA sensor RIG-I; minus strand). Cytogenetic location: 9p21.1.
Variant type: Duplication.
Coding change: c.1481-21dup on transcript NM_014314.4 (MANE Select); 21 bases into the intron before coding-DNA position 1481, one base duplicated (T; older notation c.1481-21dupT).
Molecular consequence: intron variant.
Genome position (GRCh38, 1-based): chr9:32,481,503, A duplicated on the plus strand (T on the coding strand, the reverse complement: RIGI is on the minus strand); the first of 16 consecutive A bases (chr9:32,481,503-32,481,518); duplicating any one gives the same sequence. VCF-style (leftmost placement, unchanged base first): chr9-32481502-T-TA. GRCh37 (hg19) VCF-style: chr9-32481500-T-TA.
Other names: p.?; c.872-21dup (NM_001385912.1); c.1466-21dup (NM_001385913.1); c.1475-21dup (NM_001385907.1); c.1481-21dup (NM_001385909.1); c.1037-21dup (NM_001385914.1); c.1040-21dup (NM_001385910.1); c.1481-6_1481-5insT (NM_014314.4); and 1 more.
Identifiers: ClinVar variation 1255473 (VCV001255473.6), dbSNP rs71504272, ClinGen allele CA5019774.
Genomic context (GRCh38, chr9:32,481,502, plus strand): 5'-CCATTGTTCATATTTCTGTGTTCCAAATTCCCTATTTTGAATTTGAGATAAGTTTTCTGT[T>TA]AAAAAAAAAAAAAAAAGTTTTTCACTGTCTCATATGGTCAGTCATTTAGGGTTATAAACA-3'